The following is an entry in ClinVar:

NM_001376.5(DYNC1H1):c.797C>T (p.Pro266Leu)

Gene: DYNC1H1 (dynein cytoplasmic 1 heavy chain 1; plus strand). Cytogenetic location: 14q32.31.
Variant type: single nucleotide variant.
Coding change: c.797C>T on transcript NM_001376.5 (MANE Select); coding-DNA position 797, C replaced by T.
Protein change: p.Pro266Leu; replaces proline 266 with leucine.
Molecular consequence: missense variant.
Genome position (GRCh38, 1-based): chr14:101,980,386, C>T. VCF-style: chr14-101980386-C-T. GRCh37 (hg19) VCF-style: chr14-102446723-C-T.
Other names: short protein forms P266L.
Identifiers: ClinVar variation 940701 (VCV000940701.9), dbSNP rs2047849651, ClinGen allele CA391009552.

ClinVar aggregate classification (germline): Uncertain significance (1 of 4 stars; one submission).

Conditions:
Charcot-Marie-Tooth disease axonal type 2O. Also called: CHARCOT-MARIE-TOOTH NEUROPATHY, AXONAL, TYPE 2O; CHARCOT-MARIE-TOOTH DISEASE, AXONAL, AUTOSOMAL DOMINANT, TYPE 2O; Charcot-Marie-Tooth Neuropathy Type 2O; Charcot-Marie-Tooth disease, axonal, type 20. Identifiers: Orphanet 284232, MedGen C3280220, MONDO:0013644, OMIM 614228.

Submission:

Labcorp Genetics (formerly Invitae), Labcorp
Classification: Uncertain significance for Charcot-Marie-Tooth disease axonal type 2O. Last evaluated: 2022-02-05. Review status: criteria provided, single submitter. Criteria: Invitae Variant Classification Sherloc (09022015). Collection method: clinical testing. Allele origin: germline.
Comment: In summary, the available evidence is currently insufficient to determine the role of this variant in disease. Therefore, it has been classified as a Variant of Uncertain Significance. Algorithms developed to predict the effect of missense changes on protein structure and function are either unavailable or do not agree on the potential impact of this missense change (SIFT: "Deleterious"; PolyPhen-2: "Benign"; Align-GVGD: "Class C0"). ClinVar contains an entry for this variant (Variation ID: 940701). This missense change has been observed in individual(s) with clinical features of DYNC1H1-related conditions (Invitae). This variant is not present in population databases (gnomAD no frequency). This sequence change replaces proline, which is neutral and non-polar, with leucine, which is neutral and non-polar, at codon 266 of the DYNC1H1 protein (p.Pro266Leu).